The following is an entry in ClinVar:

NM_052947.4(ALPK2):c.4810G>A (p.Asp1604Asn)

Genes: ALPK2 (alpha kinase 2; minus strand), LOC126862764 (BRD4-independent group 4 enhancer GRCh37_chr18:56202574-56203773; plus strand). Cytogenetic location: 18q21.31.
Variant type: single nucleotide variant.
Coding change: c.4810G>A on transcript NM_052947.4 (MANE Select); coding-DNA position 4810, G replaced by A.
Protein change: p.Asp1604Asn; replaces aspartic acid 1604 with asparagine.
Molecular consequence: missense variant.
Genome position (GRCh38, 1-based): chr18:58,535,377, C>T on the plus strand (G>A on the coding strand, the complement: ALPK2 is on the minus strand). VCF-style: chr18-58535377-C-T. GRCh37 (hg19) VCF-style: chr18-56202609-C-T.
Other names: short protein forms D1604N.
Identifiers: ClinVar variation 1743285 (VCV001743285.2), dbSNP rs1352462453, ClinGen allele CA402559711.

ClinVar aggregate classification (germline): Uncertain significance (1 of 4 stars; one submission).

Submission:

Ambry Genetics
Classification: Uncertain significance. Last evaluated: 2022-07-13. Review status: criteria provided, single submitter. Criteria: Ambry Variant Classification Scheme 2023. Collection method: clinical testing. Allele origin: germline.
Comment: The p.D1604N variant (also known as c.4810G>A), located in coding exon 4 of the ALPK2 gene, results from a G to A substitution at nucleotide position 4810. The aspartic acid at codon 1604 is replaced by asparagine, an amino acid with highly similar properties. This amino acid position is conserved. In addition, this alteration is predicted to be tolerated by in silico analysis. Since supporting evidence is limited at this time, the clinical significance of this alteration remains unclear.